The following is an entry in ClinVar:

ClinVar aggregate classification (germline): Uncertain significance. Review status: criteria provided, multiple submitters, no conflicts (2 of 4 stars). 3 submissions from 3 submitters: Uncertain significance (3). Last evaluated 2025-08-09.

Conditions:
Inborn genetic diseases. Identifiers: MedGen C0950123, MeSH D030342.
Ullrich congenital muscular dystrophy 2 (UCMD2). Identifiers: Orphanet 75840, MedGen C4225314, MONDO:0014654, OMIM 616470.
Bethlem myopathy 2 (BTHLM2). Identifiers: Orphanet 536516, Orphanet 610, MedGen C4225313, MONDO:0034022, OMIM 616471.

Allele frequency attached by ClinVar (database versions not stated): TOPMed below 0.00001; gnomAD exomes below 0.00001.
gnomAD v4.1: 5 of 1,571,476 alleles (0.00032%); highest among the groups gnomAD compares: East Asian, 0.0024%; no homozygotes.

Submissions (3):

Labcorp Genetics (formerly Invitae), Labcorp
Classification: Uncertain significance for Bethlem myopathy 2; Ullrich congenital muscular dystrophy 2. Last evaluated: 2025-08-09. Review status: criteria provided, single submitter. Criteria: Invitae Variant Classification Sherloc (09022015). Collection method: clinical testing. Allele origin: germline.
Comment: This sequence change replaces proline, which is neutral and non-polar, with leucine, which is neutral and non-polar, at codon 2784 of the COL12A1 protein (p.Pro2784Leu). This variant is not present in population databases (gnomAD no frequency). This variant has not been reported in the literature in individuals affected with COL12A1-related conditions. ClinVar contains an entry for this variant (Variation ID: 861265). Invitae Evidence Modeling of protein sequence and biophysical properties (such as structural, functional, and spatial information, amino acid conservation, physicochemical variation, residue mobility, and thermodynamic stability) indicates that this missense variant is not expected to disrupt COL12A1 protein function with a negative predictive value of 80%. In summary, the available evidence is currently insufficient to determine the role of this variant in disease. Therefore, it has been classified as a Variant of Uncertain Significance.

Ambry Genetics
Classification: Uncertain significance for Inborn genetic diseases. Last evaluated: 2024-10-06. Review status: criteria provided, single submitter. Criteria: Ambry Variant Classification Scheme 2023. Collection method: clinical testing. Allele origin: germline.

Revvity Omics, Revvity
Classification: Uncertain significance. Last evaluated: 2020-10-26. Review status: criteria provided, single submitter. Criteria: ACMG Guidelines, 2015. Collection method: clinical testing. Allele origin: germline.

NM_004370.6(COL12A1):c.8351C>T (p.Pro2784Leu)

Gene: COL12A1 (collagen type XII alpha 1 chain; minus strand). Cytogenetic location: 6q13.
Variant type: single nucleotide variant.
Coding change: c.8351C>T on transcript NM_004370.6 (MANE Select); coding-DNA position 8351, C replaced by T.
Protein change: p.Pro2784Leu; replaces proline 2784 with leucine.
Molecular consequence: missense variant.
Genome position (GRCh38, 1-based): chr6:75,102,661, G>A on the plus strand (C>T on the coding strand, the complement: COL12A1 is on the minus strand). VCF-style: chr6-75102661-G-A. GRCh37 (hg19) VCF-style: chr6-75812377-G-A.
Other names: c.4859C>T, p.Pro1620Leu (NM_080645.3); short protein forms P1620L, P2784L.
Identifiers: ClinVar variation 861265 (VCV000861265.13), dbSNP rs997353607, ClinGen allele CA141005356.